The following is an entry in ClinVar:

NM_002439.5(MSH3):c.1232G>T (p.Arg411Leu)

Gene: MSH3 (mutS homolog 3; plus strand). Cytogenetic location: 5q14.1.
Variant type: single nucleotide variant.
Coding change: c.1232G>T on transcript NM_002439.5 (MANE Select); coding-DNA position 1232, G replaced by T.
Protein change: p.Arg411Leu; replaces arginine 411 with leucine.
Molecular consequence: missense variant.
Genome position (GRCh38, 1-based): chr5:80,678,985, G>T. VCF-style: chr5-80678985-G-T. GRCh37 (hg19) VCF-style: chr5-79974804-G-T.
Other names: short protein forms R411L.
Identifiers: ClinVar variation 846285 (VCV000846285.9), dbSNP rs764885728, ClinGen allele CA360268940.

ClinVar aggregate classification (germline): Uncertain significance (1 of 4 stars; one submission).

gnomAD v4.1: 1 of 1,614,080 alleles (0.000062%); highest among the groups gnomAD compares: Non-Finnish European, 0.000085%; no homozygotes.

Submission:

Labcorp Genetics (formerly Invitae), Labcorp
Classification: Uncertain significance. Last evaluated: 2019-12-31. Review status: criteria provided, single submitter. Criteria: Invitae Variant Classification Sherloc (09022015). Collection method: clinical testing. Allele origin: germline.
Comment: This variant has not been reported in the literature in individuals with MSH3-related disease. In summary, the available evidence is currently insufficient to determine the role of this variant in disease. Therefore, it has been classified as a Variant of Uncertain Significance. Algorithms developed to predict the effect of missense changes on protein structure and function are either unavailable or do not agree on the potential impact of this missense change (SIFT: "Deleterious"; PolyPhen-2: "Possibly Damaging"; Align-GVGD: "Class C15"). This variant is not present in population databases (ExAC no frequency). This sequence change replaces arginine with leucine at codon 411 of the MSH3 protein (p.Arg411Leu). The arginine residue is highly conserved and there is a moderate physicochemical difference between arginine and leucine.